The following is an entry in ClinVar:

NM_002087.4(GRN):c.1639C>T (p.Arg547Cys)

Gene: GRN (granulin precursor; plus strand). Cytogenetic location: 17q21.31.
Variant type: single nucleotide variant.
Coding change: c.1639C>T on transcript NM_002087.4 (MANE Select); coding-DNA position 1639, C replaced by T.
Protein change: p.Arg547Cys; replaces arginine 547 with cysteine.
Molecular consequence: missense variant.
Genome position (GRCh38, 1-based): chr17:44,352,566, C>T. VCF-style: chr17-44352566-C-T. GRCh37 (hg19) VCF-style: chr17-42429934-C-T.
Other names: short protein forms R547C.
Identifiers: ClinVar variation 2138056 (VCV002138056.4), dbSNP rs1468026487, ClinGen allele CA399770725.
Genomic context (GRCh38, chr17:44,352,566, plus strand): 5'-TGCCATGATAACCAGACCTGCTGCCGAGACAACCGACAGGGCTGGGCCTGCTGTCCCTAC[C>T]GCCAGGTCAGTGCCAACCCCCATCCTGGGGCTGGGTATGGCCAGGGACCAGGTCCCACCT-3'
Protein context (NP_002078.1, residues 537-557): NRQGWACCPY[Arg547Cys]QGVCCADRRH

ClinVar aggregate classification (germline): Uncertain significance (1 of 4 stars; one submission).

Conditions:
Neuronal ceroid lipofuscinosis 11. Also called: GRN-Related Neuronal Ceroid-Lipofuscinosis. Identifiers: Orphanet 314629, Orphanet 79262, MedGen C3539123, MONDO:0013866, OMIM 614706.
GRN-related frontotemporal lobar degeneration with Tdp43 inclusions (FTD2). Also called: DEMENTIA, HEREDITARY DYSPHASIC DISINHIBITION; FRONTOTEMPORAL LOBAR DEGENERATION WITH UBIQUITIN-POSITIVE INCLUSIONS; FTLD-TDP, GRN-RELATED; GRN Frontotemporal Dementia; FRONTOTEMPORAL DEMENTIA WITH TDP43 INCLUSIONS, GRN-RELATED. Identifiers: Orphanet 100070, Orphanet 282, MedGen C1843792, MONDO:0011842, OMIM 607485. Disease mechanism: loss of function.

Allele frequency attached by ClinVar (database versions not stated): gnomAD 0.00001; gnomAD exomes 0.00001; TOPMed 0.00001.

Submission:

Labcorp Genetics (formerly Invitae), Labcorp
Classification: Uncertain significance for Neuronal ceroid lipofuscinosis 11; GRN-related frontotemporal lobar degeneration with Tdp43 inclusions. Last evaluated: 2022-09-05. Review status: criteria provided, single submitter. Criteria: Invitae Variant Classification Sherloc (09022015). Collection method: clinical testing. Allele origin: germline.
Comment: This sequence change replaces arginine, which is basic and polar, with cysteine, which is neutral and slightly polar, at codon 547 of the GRN protein (p.Arg547Cys). This variant is present in population databases (no rsID available, gnomAD 0.0009%). This missense change has been observed in individuals with frontotemporal dementia (PMID: 19133655, 28664756). Algorithms developed to predict the effect of missense changes on protein structure and function are either unavailable or do not agree on the potential impact of this missense change (SIFT: "Tolerated"; PolyPhen-2: "Possibly Damaging"; Align-GVGD: "Class C0"). In summary, the available evidence is currently insufficient to determine the role of this variant in disease. Therefore, it has been classified as a Variant of Uncertain Significance.

Literature cited by the submitters: PubMed 19133655; PubMed 28664756.